The following is an entry in ClinVar:

ClinVar aggregate classification (germline): Uncertain significance. Review status: criteria provided, multiple submitters, no conflicts (2 of 4 stars). 3 submissions from 3 submitters: Uncertain significance (3). Last evaluated 2025-10-02.

Conditions:
Inborn genetic diseases. Identifiers: MedGen C0950123, MeSH D030342.

Allele frequency attached by ClinVar (database versions not stated): gnomAD 0.00006 and 0.00007; gnomAD exomes 0.00006; ExAC 0.00007; TOPMed 0.00007; ESP Exome Variant Server 0.00008; 1000 Genomes Project 30x 0.00016; 1000 Genomes Project 0.00020.
gnomAD v4.1: 82 of 1,613,862 alleles (0.0051%); highest among the groups gnomAD compares: South Asian, 0.0077%; no homozygotes.

Submissions (3):

Labcorp Genetics (formerly Invitae), Labcorp
Classification: Uncertain significance. Last evaluated: 2025-10-02. Review status: criteria provided, single submitter. Criteria: Invitae Variant Classification Sherloc (09022015). Collection method: clinical testing. Allele origin: germline.
Comment: This sequence change replaces alanine, which is neutral and non-polar, with threonine, which is neutral and polar, at codon 1906 of the ITPR1 protein (p.Ala1906Thr). This variant is present in population databases (rs369005032, gnomAD 0.01%). This variant has not been reported in the literature in individuals affected with ITPR1-related conditions. ClinVar contains an entry for this variant (Variation ID: 809408). Invitae Evidence Modeling of protein sequence and biophysical properties (such as structural, functional, and spatial information, amino acid conservation, physicochemical variation, residue mobility, and thermodynamic stability) indicates that this missense variant is not expected to disrupt ITPR1 protein function with a negative predictive value of 95%. In summary, the available evidence is currently insufficient to determine the role of this variant in disease. Therefore, it has been classified as a Variant of Uncertain Significance.

Ambry Genetics
Classification: Uncertain significance for Inborn genetic diseases. Last evaluated: 2022-07-20. Review status: criteria provided, single submitter. Criteria: Ambry Variant Classification Scheme 2023. Collection method: clinical testing. Allele origin: germline.

CeGaT Center for Human Genetics Tuebingen
Classification: Uncertain significance. Last evaluated: 2022-02-01. Review status: criteria provided, single submitter. Criteria: CeGaT Center For Human Genetics Tuebingen Variant Classification Criteria Version 2. Collection method: clinical testing. Allele origin: germline. Affected: yes. Observed: 3 variant alleles.

NM_001378452.1(ITPR1):c.5905G>A (p.Ala1969Thr)

Gene: ITPR1 (inositol 1,4,5-trisphosphate receptor type 1; plus strand). Cytogenetic location: 3p26.1.
Variant type: single nucleotide variant.
Coding change: c.5905G>A on transcript NM_001378452.1 (MANE Select); coding-DNA position 5905, G replaced by A.
Protein change: p.Ala1969Thr; replaces alanine 1969 with threonine.
Molecular consequence: missense variant.
Genome position (GRCh38, 1-based): chr3:4,768,690, G>A. VCF-style: chr3-4768690-G-A. GRCh37 (hg19) VCF-style: chr3-4810374-G-A.
Other names: c.5761G>A, p.Ala1921Thr (NM_001099952.4); c.5860G>A, p.Ala1954Thr (NM_001168272.2); c.5716G>A, p.Ala1906Thr (NM_002222.7); c.5716G>A (NM_002222.5); short protein forms A1906T, A1921T, A1954T, A1969T.
Identifiers: ClinVar variation 809408 (VCV000809408.48), dbSNP rs369005032, ClinGen allele CA2232462.